The following is an entry in ClinVar:

NM_001370259.2(MEN1):c.1590del (p.Gly531fs)

Gene: MEN1 (menin 1; minus strand). Cytogenetic location: 11q13.1.
Variant type: Deletion.
Coding change: c.1590del on transcript NM_001370259.2 (MANE Select); coding-DNA position 1590, one base deleted (A; older notation c.1590delA).
Protein change: p.Gly531fs; shifts the reading frame from glycine 531.
Molecular consequence: frameshift variant.
Genome position (GRCh38, 1-based): chr11:64,804,577, T deleted on the plus strand (A on the coding strand, the reverse complement: MEN1 is on the minus strand); the first of 2 consecutive T bases (chr11:64,804,577-64,804,578); deleting either gives the same sequence. VCF-style (leftmost placement, unchanged base first): chr11-64804576-CT-C. GRCh37 (hg19) VCF-style: chr11-64572048-CT-C.
Other names: c.1605del, p.Gly536fs (NM_130800.3, NM_130801.3, NM_130802.3 and 3 more transcripts); c.1716del, p.Gly573fs (NM_001370251.2); c.1590del, p.Gly531fs (NM_001370260.2, NM_001370261.2, NM_130799.3); c.1485del, p.Gly496fs (NM_001370262.2, NM_001370263.2); c.1590delA (NM_130799.2); short protein forms G496fs, G536fs, G531fs, G573fs.
Identifiers: ClinVar variation 265242 (VCV000265242.9), dbSNP rs886039421, ClinGen allele CA10588526.

ClinVar aggregate classification (germline): Pathogenic. Review status: criteria provided, multiple submitters, no conflicts (2 of 4 stars). 4 submissions from 4 submitters: Pathogenic (4). Last evaluated 2025-08-13.

Conditions:
Hereditary cancer-predisposing syndrome. Also called: Tumor predisposition; Neoplastic Syndromes, Hereditary; Hereditary neoplastic syndrome; Hereditary Cancer Syndrome. Identifiers: Orphanet 140162, MedGen C0027672, MeSH D009386, MONDO:0015356.
Multiple endocrine neoplasia, type 1 (MEN1). Also called: MEN I; WERMER SYNDROME; Endocrine adenomatosis multiple; MEN 1; MEA I. Identifiers: Orphanet 652, MedGen C0025267, MeSH D018761, MONDO:0007540, OMIM 131100.

Submissions (4):

Myriad Genetics, Inc.
Classification: Pathogenic for Multiple endocrine neoplasia, type 1. Last evaluated: 2025-08-13. Review status: criteria provided, single submitter. Criteria: Myriad Autosomal Dominant, Autosomal Recessive and X-Linked Classification Criteria (2023). Collection method: clinical testing. Allele origin: unknown.
Comment: This variant is considered pathogenic. This variant creates a frameshift predicted to result in premature protein truncation.

Ambry Genetics
Classification: Pathogenic for Hereditary cancer-predisposing syndrome. Last evaluated: 2025-07-22. Review status: criteria provided, single submitter. Criteria: Ambry Variant Classification Scheme 2023. Collection method: clinical testing. Allele origin: germline.
Comment: The c.1590delA pathogenic mutation, located in coding exon 9 of the MEN1 gene, results from a deletion of one nucleotide at nucleotide position 1590, causing a translational frameshift with a predicted alternate stop codon (p.G531Vfs*28). This alteration occurs at the 3' terminus of theMEN1 gene, is not expected to trigger nonsense-mediated mRNA decay, and impacts the last 13% of the protein. However, premature stop codons are typically deleterious in nature and a significant portion of the protein is affected and the impacted region is critical for protein function (Ambry internal data). This variant was reported in individual(s) with features consistent with multiple endocrine neoplasia type 1 (Wautot V et al. Hum Mutat, 2002 Jul;20:35-47; Casey RT et al. Endocr Connect, 2017 Apr;6:151-158; Ambry internal data). This variant is considered to be rare based on population cohorts in the Genome Aggregation Database (gnomAD). Based on the supporting evidence, this variant is interpreted as a disease-causing mutation.

Labcorp Genetics (formerly Invitae), Labcorp
Classification: Pathogenic for Multiple endocrine neoplasia, type 1. Last evaluated: 2024-04-10. Review status: criteria provided, single submitter. Criteria: Invitae Variant Classification Sherloc (09022015). Collection method: clinical testing. Allele origin: germline.
Comment: This sequence change creates a premature translational stop signal (p.Gly531Valfs*28) in the MEN1 gene. While this is not anticipated to result in nonsense mediated decay, it is expected to disrupt the last 80 amino acid(s) of the MEN1 protein. This variant is not present in population databases (gnomAD no frequency). This premature translational stop signal has been observed in individual(s) with clinical features of multiple endocrine neoplasia type 1 (PMID: 12112656). This variant is also known as 1700delA . ClinVar contains an entry for this variant (Variation ID: 265242). This variant disrupts a region of the MEN1 protein in which other variant(s) (p.Lys559Glufs*38) have been determined to be pathogenic (PMID: 10090472; Invitae). This suggests that this is a clinically significant region of the protein, and that variants that disrupt it are likely to be disease-causing. For these reasons, this variant has been classified as Pathogenic.

GeneDx
Classification: Pathogenic. Last evaluated: 2015-08-18. Review status: criteria provided, single submitter. Criteria: GeneDx Variant Classification (06012015). Collection method: clinical testing. Allele origin: germline. Affected: yes.
Comment: The c.1590delA variant causes a frameshift starting with codon Glycine 531, changes this amino acid to a Valine residue and creates a premature Stop codon at position 28 of the new reading frame, denoted p.Gly103ValfsX28. This variant is predicted to cause loss of normal protein function through protein truncation. The c.1590delA variant was not observed in approximately 6,500 individuals of European and African American ancestry in the NHLBI Exome Sequencing Project, indicating it is not a common benign variant in these populations. Therefore, we interpret c.1590delA to be a pathogenic variant.

Literature cited by the submitters: PubMed 12112656 (cited by Ambry Genetics and Labcorp Genetics (formerly Invitae), Labcorp); PubMed 28298337 (cited by Ambry Genetics); PubMed 10090472 (cited by Labcorp Genetics (formerly Invitae), Labcorp).